The following is an entry in ClinVar:

NM_000110.4(DPYD):c.279T>C (p.Thr93=)

Gene: DPYD (dihydropyrimidine dehydrogenase; minus strand). Cytogenetic location: 1p21.3.
Variant type: single nucleotide variant.
Coding change: c.279T>C on transcript NM_000110.4 (MANE Select); coding-DNA position 279, T replaced by C.
Protein change: p.Thr93=; no amino-acid change (threonine 93 retained).
Molecular consequence: synonymous variant.
Genome position (GRCh38, 1-based): chr1:97,740,434, A>G on the plus strand (T>C on the coding strand, the complement: DPYD is on the minus strand). VCF-style: chr1-97740434-A-G. GRCh37 (hg19) VCF-style: chr1-98205990-A-G.
Other names: c.279T>C, p.Thr93= (NM_001160301.1).
Identifiers: ClinVar variation 1694519 (VCV001694519.31), dbSNP rs2101070143, ClinGen allele CA419147958.
Genomic context (GRCh38, chr1:97,740,434, plus strand): 5'-AGTTAAATCTGAATTTACCTTGTTTGCAATACTTGTGATGAATGATTTAATATCAAGATT[A>G]GTTGGACAGCTCTTCTGACACGGGGCATCTGCACATTTCAGGCATCTAGGAAATAAAATA-3'
Protein context (NP_000101.2, residues 83-103): ADAPCQKSCP[Thr93=]NLDIKSFITS

ClinVar aggregate classification (germline): Likely benign (1 of 4 stars; one submission).

Submission:

CeGaT Center for Human Genetics Tuebingen
Classification: Likely benign. Last evaluated: 2022-06-01. Review status: criteria provided, single submitter. Criteria: CeGaT Center For Human Genetics Tuebingen Variant Classification Criteria Version 2. Collection method: clinical testing. Allele origin: germline. Affected: yes. Observed: 1 variant allele.
Comment: DPYD: PM2:Supporting, BP4, BP7